The following is an entry in ClinVar:

NM_203290.4(POLR1C):c.443G>A (p.Arg148Gln)

Gene: POLR1C (RNA polymerase I and III subunit C; plus strand). Cytogenetic location: 6p21.1.
Variant type: single nucleotide variant.
Coding change: c.443G>A on transcript NM_203290.4 (MANE Select); coding-DNA position 443, G replaced by A.
Protein change: p.Arg148Gln; replaces arginine 148 with glutamine.
Molecular consequence: missense variant.
Genome position (GRCh38, 1-based): chr6:43,520,126, G>A. VCF-style: chr6-43520126-G-A. GRCh37 (hg19) VCF-style: chr6-43487864-G-A.
Other names: c.443G>A (NM_203290.3); c.443G>A, p.Arg148Gln (NM_001318876.2, NM_001363658.2); short protein forms R148Q.
Identifiers: ClinVar variation 356874 (VCV000356874.11), dbSNP rs144195949, ClinGen allele CA3825436.

ClinVar aggregate classification (germline): Uncertain significance. Review status: criteria provided, multiple submitters, no conflicts (2 of 4 stars). 4 submissions from 4 submitters: Uncertain significance (4). Last evaluated 2026-06-01.

Conditions:
Inborn genetic diseases. Identifiers: MedGen C0950123, MeSH D030342.
POLR1C-related disorder. Also called: POLR1C-related condition; POLR1C-related disorders. Identifiers: MedGen CN239394, MONDO:0700278.
Treacher Collins syndrome 3 (TCS3). Also called: POLR1C-Related Treacher Collins Syndrome. Identifiers: Orphanet 861, MedGen C1855433, MONDO:0009558, OMIM 248390.

Allele frequency attached by ClinVar (database versions not stated): ExAC 0.00007; gnomAD exomes 0.00009 and 0.00018; gnomAD 0.00012 and 0.00013; ESP Exome Variant Server 0.00015; TOPMed 0.00019.
gnomAD v4.1: 274 of 1,614,074 alleles (0.017%); highest among the groups gnomAD compares: Non-Finnish European, 0.021%; no homozygotes.

Submissions (4):

PreventionGenetics, part of Exact Sciences
Classification: Uncertain significance for POLR1C-related condition. Last evaluated: 2026-06-01. Review status: criteria provided, single submitter. Criteria: ACMG Guidelines, 2015. Collection method: clinical testing. Allele origin: germline.
Comment: The POLR1C c.443G>A variant is predicted to result in the amino acid substitution p.Arg148Gln. To our knowledge, this variant has not been reported in the literature. This variant is reported in 0.015% of alleles in individuals of European (Non-Finnish) descent in gnomAD. At this time, the clinical significance of this variant is uncertain due to the absence of conclusive functional and genetic evidence.

Labcorp Genetics (formerly Invitae), Labcorp
Classification: Uncertain significance. Last evaluated: 2022-09-01. Review status: criteria provided, single submitter. Criteria: Invitae Variant Classification Sherloc (09022015). Collection method: clinical testing. Allele origin: germline.
Comment: This sequence change replaces arginine, which is basic and polar, with glutamine, which is neutral and polar, at codon 148 of the POLR1C protein (p.Arg148Gln). This variant is present in population databases (rs144195949, gnomAD 0.01%). This variant has not been reported in the literature in individuals affected with POLR1C-related conditions. ClinVar contains an entry for this variant (Variation ID: 356874). Algorithms developed to predict the effect of missense changes on protein structure and function are either unavailable or do not agree on the potential impact of this missense change (SIFT: "Not Available"; PolyPhen-2: "Benign"; Align-GVGD: "Not Available"). In summary, the available evidence is currently insufficient to determine the role of this variant in disease. Therefore, it has been classified as a Variant of Uncertain Significance.

Ambry Genetics
Classification: Uncertain significance for Inborn genetic diseases. Last evaluated: 2021-08-12. Review status: criteria provided, single submitter. Criteria: Ambry Variant Classification Scheme 2023. Collection method: clinical testing. Allele origin: germline.

Illumina Laboratory Services, Illumina
Classification: Uncertain significance for Treacher Collins syndrome 3. Last evaluated: 2018-01-12. Review status: criteria provided, single submitter. Criteria: ICSL Variant Classification Criteria 13 December 2019. Collection method: clinical testing. Allele origin: germline.